The following is an entry in ClinVar:

NM_001110556.2(FLNA):c.3473T>C (p.Phe1158Ser)

Gene: FLNA (filamin A; minus strand). Cytogenetic location: Xq28.
Variant type: single nucleotide variant.
Coding change: c.3473T>C on transcript NM_001110556.2 (MANE Select); coding-DNA position 3473, T replaced by C.
Protein change: p.Phe1158Ser; replaces phenylalanine 1158 with serine.
Molecular consequence: missense variant.
Genome position (GRCh38, 1-based): chrX:154,360,322, A>G on the plus strand (T>C on the coding strand, the complement: FLNA is on the minus strand). VCF-style: chrX-154360322-A-G. GRCh37 (hg19) VCF-style: chrX-153588690-A-G.
Other names: c.3473T>C, p.Phe1158Ser (NM_001456.4); short protein forms F1158S.
Identifiers: ClinVar variation 1691357 (VCV001691357.2), dbSNP rs2148112206, ClinGen allele CA415227195.

ClinVar aggregate classification (germline): Uncertain significance (1 of 4 stars; one submission).

Submission:

Seattle Children's Hospital Molecular Genetics Laboratory, Seattle Children's Hospital
Classification: Uncertain significance. Last evaluated: 2021-12-07. Review status: criteria provided, single submitter. Criteria: ACMG Guidelines, 2015. Collection method: clinical testing. Allele origin: germline. Affected: yes.
Comment: The p.Phe1158Ser variant replaces a phenylalanine at amino acid position 1158 with a serine and is located in the filamin 10 repeat of the filamin A protein. The p. Phe1158Ser variant has not been reported in the literature or in patient databases. The variant is not in the domain of the protein typically impacted in FLNA-related CIPO or other FLNA deficiency manifestations, nor is its impact on the protein determined.